The following is an entry in ClinVar:

NM_020989.4(CRYGC):c.389G>A (p.Cys130Tyr)

Genes: CRYGC (crystallin gamma C; minus strand), LOC100507443 (uncharacterized LOC100507443; plus strand). Cytogenetic location: 2q33.3.
Variant type: single nucleotide variant.
Coding change: c.389G>A on transcript NM_020989.4 (MANE Select); coding-DNA position 389, G replaced by A.
Protein change: p.Cys130Tyr; replaces cysteine 130 with tyrosine.
Molecular consequence: missense variant.
Genome position (GRCh38, 1-based): chr2:208,128,339, C>T on the plus strand (G>A on the coding strand, the complement: CRYGC is on the minus strand). VCF-style: chr2-208128339-C-T. GRCh37 (hg19) VCF-style: chr2-208993063-C-T.
Other names: short protein forms C130Y.
Identifiers: ClinVar variation 4869438 (VCV004869438.1).

ClinVar aggregate classification (germline): Uncertain significance (1 of 4 stars; one submission).

Conditions:
Inborn genetic diseases. Identifiers: MedGen C0950123, MeSH D030342.

Submission:

Ambry Genetics
Classification: Uncertain significance for Inborn genetic diseases. Last evaluated: 2026-05-26. Review status: criteria provided, single submitter. Criteria: Ambry Variant Classification Scheme 2023. Collection method: clinical testing. Allele origin: germline.
Comment: The c.389G>A (p.C130Y) alteration is located in exon 3 (coding exon 3) of the CRYGC gene. This alteration results from a G to A substitution at nucleotide position 389, causing the cysteine (C) at amino acid position 130 to be replaced by a tyrosine (Y). Based on data from gnomAD, the A allele has an overall frequency of <0.001% (1/251460) total alleles studied. The highest observed frequency was 0.001% (1/113740) of European (non-Finnish) alleles. Based on insufficient or conflicting evidence, the clinical significance of this alteration remains unclear.